The following is an entry in ClinVar:

NM_152672.6(SLC51A):c.78C>T (p.Tyr26=)

Gene: SLC51A (solute carrier family 51 member A; plus strand). Cytogenetic location: 3q29.
Variant type: single nucleotide variant.
Coding change: c.78C>T on transcript NM_152672.6 (MANE Select); coding-DNA position 78, C replaced by T.
Protein change: p.Tyr26=; no amino-acid change (tyrosine 26 retained).
Molecular consequence: synonymous variant.
Genome position (GRCh38, 1-based): chr3:196,217,881, C>T. VCF-style: chr3-196217881-C-T. GRCh37 (hg19) VCF-style: chr3-195944752-C-T.
Identifiers: ClinVar variation 3029963 (VCV003029963.2), dbSNP rs199724731, ClinGen allele CA2778893.
Genomic context (GRCh38, chr3:196,217,881, plus strand): 5'-CACAGGCTGGTGTCTCGCCAGGTACACAGCAGATCTTCTGGAGGTGCTGAAGACCAATTA[C>T]GGCATCCCCTCCGCCTGCTTCTCTCAGCCTCCCACAGCAGCCCAACTCCTGAGAGGTGAG-3'
Protein context (NP_689885.4, residues 16-36): ADLLEVLKTN[Tyr26=]GIPSACFSQP

ClinVar aggregate classification (germline): Likely benign (0 of 4 stars; one submission).

Conditions:
SLC51A-related disorder. Also called: SLC51A-related condition.

Allele frequency attached by ClinVar (database versions not stated): gnomAD 0.00002; ExAC 0.00003; gnomAD exomes 0.00003; TOPMed 0.00003.
gnomAD v4.1: 45 of 1,613,590 alleles (0.0028%); highest among the groups gnomAD compares: African/African-American, 0.004%; no homozygotes.

Submission:

PreventionGenetics, part of Exact Sciences
Classification: Likely benign for SLC51A-related condition. Last evaluated: 2024-02-27. Review status: no assertion criteria provided. Collection method: clinical testing. Allele origin: germline.
Comment: This variant is classified as likely benign based on ACMG/AMP sequence variant interpretation guidelines (Richards et al. 2015 PMID: 25741868, with internal and published modifications).